The following is an entry in ClinVar:

NM_025103.4(IFT74):c.498G>A (p.Met166Ile)

Gene: IFT74 (intraflagellar transport 74; plus strand). Cytogenetic location: 9p21.2.
Variant type: single nucleotide variant.
Coding change: c.498G>A on transcript NM_025103.4 (MANE Select); coding-DNA position 498, G replaced by A.
Protein change: p.Met166Ile; replaces methionine 166 with isoleucine.
Molecular consequence: missense variant.
Genome position (GRCh38, 1-based): chr9:26,988,701, G>A. VCF-style: chr9-26988701-G-A. GRCh37 (hg19) VCF-style: chr9-26988699-G-A.
Other names: c.498G>A, p.Met166Ile (NM_001099222.3, NM_001099223.3, NM_001099224.3 and 1 more transcripts); short protein forms M166I.
Identifiers: ClinVar variation 4986641 (VCV004986641.1).
Genomic context (GRCh38, chr9:26,988,701, plus strand): 5'-GTTTGTTTGTTTGTATTTTTGTTTTTAGTTGGTAGATAAACTTAATACCAACACTGAAAT[G>A]GAAGAAGTAATGAATGATTACAATATGGTAAGAAAATTTATAAAAGCAAATTGATCTATG-3'
Protein context (NP_079379.2, residues 156-176): LVDKLNTNTE[Met166Ile]EEVMNDYNML

ClinVar aggregate classification (germline): Uncertain significance (1 of 4 stars; one submission).

Conditions:
IFT74-related disorder. Also called: IFT74-related condition; IFT74-Related Disorders.

Submission:

PreventionGenetics, part of Exact Sciences
Classification: Uncertain significance for IFT74-related condition. Last evaluated: 2025-04-24. Review status: criteria provided, single submitter. Criteria: ACMG Guidelines, 2015. Collection method: clinical testing. Allele origin: germline.
Comment: The IFT74 c.498G>A variant is predicted to result in the amino acid substitution p.Met166Ile. To our knowledge, this variant has not been reported in the literature. This variant is reported in 0.0019% of alleles in individuals of European (Non-Finnish) descent in gnomAD. At this time, the clinical significance of this variant is uncertain due to the absence of conclusive functional and genetic evidence.